The following is an entry in ClinVar:

NR_199791.1:n.35A>G

Gene: RNU2-2 (RNA, U2 small nuclear 2; minus strand).
Variant type: single nucleotide variant.
Identifiers: ClinVar variation 4818725 (VCV004818725.1).

ClinVar aggregate classification (germline): Likely pathogenic (1 of 4 stars; one submission).

Conditions:
Developmental and epileptic encephalopathy 119. Identifiers: MedGen C6065899, MONDO:1060177, OMIM 621304.

Submission:

Kasturba Medical College, Manipal, Kasturba Medical College, Manipal, Manipal Academy of Higher Education, Manipal, India
Classification: Likely pathogenic for Developmental and epileptic encephalopathy 119. Last evaluated: 2026-03-17. Review status: criteria provided, single submitter. Criteria: ACMG Guidelines, 2015. Collection method: research. Allele origin: maternal. Inheritance: Autosomal dominant inheritance. Affected: yes. Observed: 1 variant allele, 1 heterozygote.
Comment: This variant is absent in heterozygous and/or homozygous state in gnomAD population database (v4.1.0).

Literature cited by the submitters: PubMed 40210679; PubMed 40442284.